The following is an entry in ClinVar:

ClinVar aggregate classification (germline): Likely benign (1 of 4 stars; one submission).

Allele frequency attached by ClinVar (database versions not stated): ExAC 0.00007; ESP Exome Variant Server 0.00017; gnomAD 0.00020; TOPMed 0.00022; 1000 Genomes Project 30x 0.00031; 1000 Genomes Project 0.00040.
gnomAD v4.1: 121 of 1,604,466 alleles (0.0075%); highest among the groups gnomAD compares: African/African-American, 0.12%; no homozygotes.

Submission:

CeGaT Center for Human Genetics Tuebingen
Classification: Likely benign. Last evaluated: 2022-06-01. Review status: criteria provided, single submitter. Criteria: CeGaT Center For Human Genetics Tuebingen Variant Classification Criteria Version 2. Collection method: clinical testing. Allele origin: germline. Affected: yes. Observed: 1 variant allele.
Comment: ITPR2: BP4, BP7

NM_002223.4(ITPR2):c.6468G>A (p.Arg2156=)

Gene: ITPR2 (inositol 1,4,5-trisphosphate receptor type 2; minus strand). Cytogenetic location: 12p11.23.
Variant type: single nucleotide variant.
Coding change: c.6468G>A on transcript NM_002223.4 (MANE Select); coding-DNA position 6468, G replaced by A.
Protein change: p.Arg2156=; no amino-acid change (arginine 2156 retained).
Molecular consequence: synonymous variant.
Genome position (GRCh38, 1-based): chr12:26,439,302, C>T on the plus strand (G>A on the coding strand, the complement: ITPR2 is on the minus strand). VCF-style: chr12-26439302-C-T. GRCh37 (hg19) VCF-style: chr12-26592235-C-T.
Other names: c.6465G>A, p.Arg2155= (NM_001414174.1); c.6249G>A, p.Arg2083= (NM_001414175.1).
Identifiers: ClinVar variation 2642803 (VCV002642803.24), dbSNP rs188149148, ClinGen allele CA6488445.
Genomic context (GRCh38, chr12:26,439,302, plus strand): 5'-GGATTCTCGAGTGAGGTATTCACATATATTGGGGACAGGAAAAACTATTTGTTCCATGGT[C>T]CTATCATGCCGGACAATCTGAAAACATTAATTTGCATTGTTTTTAGCCTTTCGGACACCT-3'
Protein context (NP_002214.2, residues 2146-2166): TAQIEIVRHD[Arg2156=]TMEQIVFPVP